The following is an entry in ClinVar:

NM_000381.4(MID1):c.607C>T (p.Arg203Trp)

Gene: MID1 (midline 1; minus strand). Cytogenetic location: Xp22.2.
Variant type: single nucleotide variant.
Coding change: c.607C>T on transcript NM_000381.4 (MANE Select); coding-DNA position 607, C replaced by T.
Protein change: p.Arg203Trp; replaces arginine 203 with tryptophan.
Molecular consequence: missense variant. On other transcripts: intron variant (2).
Genome position (GRCh38, 1-based): chrX:10,566,941, G>A on the plus strand (C>T on the coding strand, the complement: MID1 is on the minus strand). VCF-style: chrX-10566941-G-A. GRCh37 (hg19) VCF-style: chrX-10534981-G-A.
Other names: c.607C>T, p.Arg203Trp (NM_001098624.2, NM_001193277.1, NM_001193278.1 and 3 more transcripts); c.546+61C>T (NM_033289.2, NM_001193280.1); short protein forms R203W.
Identifiers: ClinVar variation 2865074 (VCV002865074.3), dbSNP rs1452714186, ClinGen allele CA412047921.

ClinVar aggregate classification (germline): Uncertain significance (1 of 4 stars; one submission).

Allele frequency attached by ClinVar (database versions not stated): gnomAD exomes below 0.00001; gnomAD 0.00001.
gnomAD v4.1: 2 of 1,209,600 alleles (0.00017%); highest among the groups gnomAD compares: Admixed American, 0.0022%; no homozygotes.

Submission:

Labcorp Genetics (formerly Invitae), Labcorp
Classification: Uncertain significance. Last evaluated: 2023-08-04. Review status: criteria provided, single submitter. Criteria: Invitae Variant Classification Sherloc (09022015). Collection method: clinical testing. Allele origin: germline.
Comment: This sequence change replaces arginine, which is basic and polar, with tryptophan, which is neutral and slightly polar, at codon 203 of the MID1 protein (p.Arg203Trp). This variant is present in population databases (no rsID available, gnomAD 0.004%), including at least one homozygous and/or hemizygous individual. This variant has not been reported in the literature in individuals affected with MID1-related conditions. Advanced modeling of protein sequence and biophysical properties (such as structural, functional, and spatial information, amino acid conservation, physicochemical variation, residue mobility, and thermodynamic stability) performed at Invitae indicates that this missense variant is not expected to disrupt MID1 protein function. Algorithms developed to predict the effect of sequence changes on RNA splicing suggest that this variant may create or strengthen a splice site. In summary, the available evidence is currently insufficient to determine the role of this variant in disease. Therefore, it has been classified as a Variant of Uncertain Significance.